The following is an entry in ClinVar:

ClinVar aggregate classification (germline): Likely benign. Review status: criteria provided, single submitter (1 of 4 stars). 2 submissions from 2 submitters: Likely benign (1). 1 of the submissions does not count toward it. Last evaluated 2021-12-21.

Conditions:
PRDM12-related disorder. Also called: PRDM12-related condition.

Submissions (2):

GeneDx
Classification: Likely benign. Last evaluated: 2021-12-21. Review status: criteria provided, single submitter. Criteria: GeneDx Variant Classification Process June 2021. Collection method: clinical testing. Allele origin: germline. Affected: yes.

PreventionGenetics, part of Exact Sciences
Classification: Benign for PRDM12-related condition. Last evaluated: 2020-01-28. Review status: no assertion criteria provided. Collection method: clinical testing. Allele origin: germline. Not counted in ClinVar's aggregate classification.
Comment: This variant is classified as benign based on ACMG/AMP sequence variant interpretation guidelines (Richards et al. 2015 PMID: 25741868, with internal and published modifications).

NM_021619.3(PRDM12):c.683-27CCCCG[5]

Genes: PRDM12 (PR/SET domain 12; plus strand), LOC130002813 (ATAC-STARR-seq lymphoblastoid silent region 20403; plus strand). Cytogenetic location: 9q34.12.
Variant type: Microsatellite.
Coding change: c.683-27CCCCG[5] on transcript NM_021619.3 (MANE Select); five copies in a row of the 5-base unit CCCCG starting at c.683-27.
Molecular consequence: intron variant.
Genome position: GRCh38 VCF-style: chr9-130681220-C-CCCCCG. GRCh37 (hg19) VCF-style: chr9-133556607-C-CCCCCG.
Other names: c.683-11_683-7dup5 (NM_021619.2).
Identifiers: ClinVar variation 1192913 (VCV001192913.6), dbSNP rs759795008, ClinGen allele CA5284634.